The following is an entry in ClinVar:

NM_178452.6(DNAAF1):c.1299_1376dup (p.Gly436_Asp461dup)

Gene: DNAAF1 (dynein axonemal assembly factor 1; plus strand). Cytogenetic location: 16q24.1.
Variant type: Duplication.
Coding change: c.1299_1376dup on transcript NM_178452.6 (MANE Select); coding-DNA positions 1299 to 1376, 78 bases duplicated.
Protein change: p.Gly436_Asp461dup.
Molecular consequence: inframe insertion.
Genome position (GRCh38, 1-based): chr16:84,170,127-84,170,204, 78 bases duplicated. GRCh37 (hg19): chr16:84,203,733-84,203,810.
Other names: c.591_668dup, p.Gly200_Asp225dup (NM_001318756.1).
Identifiers: ClinVar variation 1023147 (VCV001023147.9), dbSNP rs2088246526, ClinGen allele CA2238468035.

ClinVar aggregate classification (germline): Uncertain significance (1 of 4 stars; one submission).

Conditions:
Primary ciliary dyskinesia. Also called: Ciliary dyskinesia. Identifiers: Orphanet 244, MedGen C0008780, MONDO:0016575, HP:0012265.

Submission:

Labcorp Genetics (formerly Invitae), Labcorp
Classification: Uncertain significance for Primary ciliary dyskinesia. Last evaluated: 2024-08-13. Review status: criteria provided, single submitter. Criteria: Invitae Variant Classification Sherloc (09022015). Collection method: clinical testing. Allele origin: germline.
Comment: This variant, c.1299_1376dup, results in the insertion of 26 amino acid(s) of the DNAAF1 protein (p.Gly436_Asp461dup), but otherwise preserves the integrity of the reading frame. This variant is not present in population databases (gnomAD no frequency). This variant has not been reported in the literature in individuals affected with DNAAF1-related conditions. ClinVar contains an entry for this variant (Variation ID: 1023147). Experimental studies and prediction algorithms are not available or were not evaluated, and the functional significance of this variant is currently unknown. In summary, the available evidence is currently insufficient to determine the role of this variant in disease. Therefore, it has been classified as a Variant of Uncertain Significance.